The following is an entry in ClinVar:

NM_001364905.1(LRBA):c.6736G>A (p.Glu2246Lys)

Gene: LRBA (LPS responsive beige-like anchor protein; minus strand). Cytogenetic location: 4q31.3.
Variant type: single nucleotide variant.
Coding change: c.6736G>A on transcript NM_001364905.1 (MANE Select); coding-DNA position 6736, G replaced by A.
Protein change: p.Glu2246Lys; replaces glutamic acid 2246 with lysine.
Molecular consequence: missense variant.
Genome position (GRCh38, 1-based): chr4:150,467,717, C>T on the plus strand (G>A on the coding strand, the complement: LRBA is on the minus strand). VCF-style: chr4-150467717-C-T. GRCh37 (hg19) VCF-style: chr4-151388869-C-T.
Other names: c.6736G>A, p.Glu2246Lys (NM_001199282.3, NM_001367550.1); c.6769G>A, p.Glu2257Lys (NM_006726.5); short protein forms E2257K, E2246K.
Identifiers: ClinVar variation 650273 (VCV000650273.8), dbSNP rs1581401791, ClinGen allele CA358605547.

ClinVar aggregate classification (germline): Uncertain significance (1 of 4 stars; one submission).

Conditions:
Combined immunodeficiency due to LRBA deficiency. Also called: Common variable immunodeficiency 8, with autoimmunity. Identifiers: Orphanet 445018, MedGen C3553512, MONDO:0013863, OMIM 614700.

Submission:

Labcorp Genetics (formerly Invitae), Labcorp
Classification: Uncertain significance for Combined immunodeficiency due to LRBA deficiency. Last evaluated: 2018-08-08. Review status: criteria provided, single submitter. Criteria: Invitae Variant Classification Sherloc (09022015). Collection method: clinical testing. Allele origin: germline.
Comment: This sequence change replaces glutamic acid with lysine at codon 2257 of the LRBA protein (p.Glu2257Lys). The glutamic acid residue is weakly conserved and there is a small physicochemical difference between glutamic acid and lysine. This variant is not present in population databases (ExAC no frequency). This variant has not been reported in the literature in individuals with LRBA-related disease. Algorithms developed to predict the effect of missense changes on protein structure and function are either unavailable or do not agree on the potential impact of this missense change (SIFT: "Tolerated"; PolyPhen-2: "Possibly Damaging"; Align-GVGD: "Class C0"). In summary, the available evidence is currently insufficient to determine the role of this variant in disease. Therefore, it has been classified as a Variant of Uncertain Significance.